The following is an entry in ClinVar:

ClinVar aggregate classification (germline): Uncertain significance (1 of 4 stars; one submission).

Conditions:
Hypoplastic left heart syndrome. Also called: Hypoplastic left heart; Hypoplastic left ventricle. Identifiers: Orphanet 2248, MedGen C0152101, MONDO:0004933, HP:0004383.

Allele frequency attached by ClinVar (database versions not stated): gnomAD exomes below 0.00001.
gnomAD v4.1: 1 of 1,598,368 alleles (0.000063%); highest among the groups gnomAD compares: Non-Finnish European, 0.000085%; no homozygotes.

Submission:

Labcorp Genetics (formerly Invitae), Labcorp
Classification: Uncertain significance for Hypoplastic left heart syndrome. Last evaluated: 2023-03-27. Review status: criteria provided, single submitter. Criteria: Invitae Variant Classification Sherloc (09022015). Collection method: clinical testing. Allele origin: germline.
Comment: In summary, the available evidence is currently insufficient to determine the role of this variant in disease. Therefore, it has been classified as a Variant of Uncertain Significance. An algorithm developed to predict the effect of missense changes on protein structure and function (PolyPhen-2) suggests that this variant is likely to be tolerated. This variant has not been reported in the literature in individuals affected with HAND1-related conditions. This variant is not present in population databases (gnomAD no frequency). This sequence change replaces histidine, which is basic and polar, with glutamine, which is neutral and polar, at codon 17 of the HAND1 protein (p.His17Gln).

NM_004821.3(HAND1):c.51C>G (p.His17Gln)

Gene: HAND1 (heart and neural crest derivatives expressed 1; minus strand). Cytogenetic location: 5q33.2.
Variant type: single nucleotide variant.
Coding change: c.51C>G on transcript NM_004821.3 (MANE Select); coding-DNA position 51, C replaced by G.
Protein change: p.His17Gln; replaces histidine 17 with glutamine.
Molecular consequence: missense variant.
Genome position (GRCh38, 1-based): chr5:154,477,958, G>C on the plus strand (C>G on the coding strand, the complement: HAND1 is on the minus strand). VCF-style: chr5-154477958-G-C. GRCh37 (hg19) VCF-style: chr5-153857518-G-C.
Other names: short protein forms H17Q.
Identifiers: ClinVar variation 2863537 (VCV002863537.3), dbSNP rs1757575870, ClinGen allele CA361923944.
Genomic context (GRCh38, chr5:154,477,958, plus strand): 5'-CTGATGACAGCGCGAGGCCGGACCGAAGAGGAAGGGTTCGTGGAGCATGGGGTGCGCAGG[G>C]TGCGGGTGGTGATGGTGGTGATGGTGTGCGTAGCTGCCCACGAGGTTCATGTTGGAGCGG-3'
Protein context (NP_004812.1, residues 7-27): YAHHHHHHHP[His17Gln]PAHPMLHEPF